The following is an entry in ClinVar:

NM_005359.6(SMAD4):c.1639G>C (p.Asp547His)

Gene: SMAD4 (SMAD family member 4; plus strand). Cytogenetic location: 18q21.2.
Variant type: single nucleotide variant.
Coding change: c.1639G>C on transcript NM_005359.6 (MANE Select); coding-DNA position 1639, G replaced by C.
Protein change: p.Asp547His; replaces aspartic acid 547 with histidine.
Molecular consequence: missense variant. On other transcripts: non-coding transcript variant (1).
Genome position (GRCh38, 1-based): chr18:51,078,447, G>C. VCF-style: chr18-51078447-G-C. GRCh37 (hg19) VCF-style: chr18-48604817-G-C.
Other names: c.1639G>C, p.Asp547His (NM_001407041.1, NM_001407042.1); short protein forms D547H.
Identifiers: ClinVar variation 5029739 (VCV005029739.1).

ClinVar aggregate classification (germline): Uncertain significance (1 of 4 stars; one submission).

Conditions:
Familial thoracic aortic aneurysm and aortic dissection (TAAD). Also called: Thoracic aortic aneurysms and dissections. Identifiers: Orphanet 91387, MedGen C4707243, MONDO:0019625.
Hereditary cancer-predisposing syndrome. Also called: Neoplastic Syndromes, Hereditary; Tumor predisposition; Hereditary neoplastic syndrome; Hereditary Cancer Syndrome. Identifiers: Orphanet 140162, MedGen C0027672, MeSH D009386, MONDO:0015356.

Submission:

Ambry Genetics
Classification: Uncertain significance for Hereditary cancer-predisposing syndrome; Familial thoracic aortic aneurysm and aortic dissection. Last evaluated: 2026-07-06. Review status: criteria provided, single submitter. Criteria: Ambry Variant Classification Scheme 2023. Collection method: clinical testing. Allele origin: germline.
Comment: The p.D547H variant (also known as c.1639G>C), located in coding exon 11 of the SMAD4 gene, results from a G to C substitution at nucleotide position 1639. The aspartic acid at codon 547 is replaced by histidine, an amino acid with similar properties. This amino acid position is conserved. In addition, this alteration is predicted to be deleterious by in silico analysis. Based on the available evidence, the clinical significance of this variant remains unclear.